The following is an entry in ClinVar:

NM_000541.5(SAG):c.107T>C (p.Ile36Thr)

Gene: SAG (S-antigen visual arrestin; plus strand). Cytogenetic location: 2q37.1.
Variant type: single nucleotide variant.
Coding change: c.107T>C on transcript NM_000541.5 (MANE Select); coding-DNA position 107, T replaced by C.
Protein change: p.Ile36Thr; replaces isoleucine 36 with threonine.
Molecular consequence: missense variant.
Genome position (GRCh38, 1-based): chr2:233,316,106, T>C. VCF-style: chr2-233316106-T-C. GRCh37 (hg19) VCF-style: chr2-234224752-T-C.
Other names: c.107T>C (NM_000541.4); short protein forms I36T.
Identifiers: ClinVar variation 1371961 (VCV001371961.10), dbSNP rs188789430, ClinGen allele CA2174217.
Genomic context (GRCh38, chr2:233,316,106, plus strand): 5'-CCTTAGACCCACACCTGTTCTTCTTGCAGGTGACCATCTACCTGGGGAACAGAGACTACA[T>C]AGACCATGTCAGCCAAGTCCAGCCTGTGGGTAAGTTGCTTGGAGAAAACTGTAATGCTGG-3'
Protein context (NP_000532.2, residues 26-46): VTIYLGNRDY[Ile36Thr]DHVSQVQPVD

ClinVar aggregate classification (germline): Uncertain significance. Review status: criteria provided, multiple submitters, no conflicts (2 of 4 stars). 3 submissions from 3 submitters: Uncertain significance (3). Last evaluated 2024-11-09.

Conditions:
SAG-related disorder. Also called: SAG-related condition; SAG-related disorders.

Allele frequency attached by ClinVar (database versions not stated): gnomAD 0.00001; gnomAD exomes 0.00001 and 0.00002; TOPMed 0.00002; ExAC 0.00005; 1000 Genomes Project 0.00020; 1000 Genomes Project 30x 0.00031.
gnomAD v4.1: 12 of 1,599,686 alleles (0.00075%); highest among the groups gnomAD compares: East Asian, 0.02%; no homozygotes.

Submissions (3):

PreventionGenetics, part of Exact Sciences
Classification: Uncertain significance for SAG-related condition. Last evaluated: 2024-11-09. Review status: criteria provided, single submitter. Criteria: ACMG Guidelines, 2015. Collection method: clinical testing. Allele origin: germline.
Comment: The SAG c.107T>C variant is predicted to result in the amino acid substitution p.Ile36Thr. To our knowledge, this variant has not been reported in the literature. This variant is reported in 0.023% of alleles in individuals of East Asian descent in gnomAD. At this time, the clinical significance of this variant is uncertain due to the absence of conclusive functional and genetic evidence.

Blueprint Genetics
Classification: Uncertain significance. Last evaluated: 2023-04-18. Review status: criteria provided, single submitter. Criteria: ACMG Guidelines, 2015. Collection method: clinical testing. Allele origin: germline.

Labcorp Genetics (formerly Invitae), Labcorp
Classification: Uncertain significance. Last evaluated: 2022-10-08. Review status: criteria provided, single submitter. Criteria: Invitae Variant Classification Sherloc (09022015). Collection method: clinical testing. Allele origin: germline.
Comment: ClinVar contains an entry for this variant (Variation ID: 1371961). In summary, the available evidence is currently insufficient to determine the role of this variant in disease. Therefore, it has been classified as a Variant of Uncertain Significance. Advanced modeling of protein sequence and biophysical properties (such as structural, functional, and spatial information, amino acid conservation, physicochemical variation, residue mobility, and thermodynamic stability) performed at Invitae indicates that this missense variant is not expected to disrupt SAG protein function. This variant has not been reported in the literature in individuals affected with SAG-related conditions. This variant is present in population databases (rs188789430, gnomAD 0.02%). This sequence change replaces isoleucine, which is neutral and non-polar, with threonine, which is neutral and polar, at codon 36 of the SAG protein (p.Ile36Thr).